The following is an entry in ClinVar:

NM_001166108.2(PALLD):c.3067G>A (p.Ala1023Thr)

Genes: CBR4 (carbonyl reductase 4; minus strand), PALLD (palladin, cytoskeletal associated protein; plus strand). Cytogenetic location: 4q32.3.
Variant type: single nucleotide variant.
Coding change: c.3067G>A on transcript NM_001166108.2 (MANE Select); coding-DNA position 3067, G replaced by A.
Protein change: p.Ala1023Thr; replaces alanine 1023 with threonine.
Molecular consequence: missense variant.
Genome position (GRCh38, 1-based): chr4:168,924,263, G>A. VCF-style: chr4-168924263-G-A. GRCh37 (hg19) VCF-style: chr4-169845414-G-A.
Other names: c.1870G>A, p.Ala624Thr (NM_001166109.2); c.1555G>A, p.Ala519Thr (NM_001166110.2); c.895G>A, p.Ala299Thr (NM_001367567.1, NM_001367569.1); c.946G>A, p.Ala316Thr (NM_001367568.1, NM_001367570.1); c.3016G>A, p.Ala1006Thr (NM_016081.4); short protein forms A1006T, A316T, A299T, A1023T, A519T, A624T.
Identifiers: ClinVar variation 1798860 (VCV001798860.2), dbSNP rs1762156256, ClinGen allele CA358711659.
Genomic context (GRCh38, chr4:168,924,263, plus strand): 5'-TAGTGCTCCTTTTGTATATCATTGATAGAGAATTCATCTCATGTTTTCTTAGCTAAAGAA[G>A]CACACAAACCCCCTGTGTTTATTGAGAAGCTCCAAAACACAGGAGTTGCTGATGGGTACC-3'
Protein context (NP_001159580.1, residues 1013-1033): SLELVVAAKE[Ala1023Thr]HKPPVFIEKL

ClinVar aggregate classification (germline): Uncertain significance (1 of 4 stars; one submission).

gnomAD v4.1: 1 of 1,613,634 alleles (0.000062%); no homozygotes.

Submission:

Ambry Genetics
Classification: Uncertain significance. Last evaluated: 2022-09-18. Review status: criteria provided, single submitter. Criteria: Ambry Variant Classification Scheme 2023. Collection method: clinical testing. Allele origin: germline.
Comment: The p.A1006T variant (also known as c.3016G>A), located in coding exon 17 of the PALLD gene, results from a G to A substitution at nucleotide position 3016. The alanine at codon 1006 is replaced by threonine, an amino acid with similar properties. This amino acid position is conserved. In addition, this alteration is predicted to be tolerated by in silico analysis. Since supporting evidence is limited at this time, the clinical significance of this alteration remains unclear.